The following is an entry in ClinVar:

NM_000245.4(MET):c.312A>T (p.Lys104Asn)

Gene: MET (MET proto-oncogene, receptor tyrosine kinase; plus strand). Cytogenetic location: 7q31.2.
Variant type: single nucleotide variant.
Coding change: c.312A>T on transcript NM_000245.4 (MANE Select); coding-DNA position 312, A replaced by T.
Protein change: p.Lys104Asn; replaces lysine 104 with asparagine.
Molecular consequence: missense variant. On other transcripts: intron variant (1).
Genome position (GRCh38, 1-based): chr7:116,699,396, A>T. VCF-style: chr7-116699396-A-T. GRCh37 (hg19) VCF-style: chr7-116339450-A-T.
Other names: c.312A>T, p.Lys104Asn (NM_001127500.3, NM_001324401.3); c.-91+26819A>T (NM_001324402.2); short protein forms K104N.
Identifiers: ClinVar variation 454232 (VCV000454232.10), dbSNP rs1554378412, ClinGen allele CA368968800.

ClinVar aggregate classification (germline): Uncertain significance (1 of 4 stars; one submission).

Conditions:
Renal cell carcinoma. Identifiers: Orphanet 217071, MedGen C0007134, MeSH D002292, MONDO:0005086, HP:0005584.

Submission:

Labcorp Genetics (formerly Invitae), Labcorp
Classification: Uncertain significance for Renal cell carcinoma. Last evaluated: 2017-01-03. Review status: criteria provided, single submitter. Criteria: Invitae Variant Classification Sherloc (09022015). Collection method: clinical testing. Allele origin: germline.
Comment: In summary, this variant is a novel missense change that is not predicted to affect protein function. There is no indication that it causes disease, but the available evidence is currently insufficient to prove that conclusively. Therefore, it has been classified as a Variant of Uncertain Significance. Algorithms developed to predict the effect of missense changes on protein structure and function (SIFT, PolyPhen-2, Align-GVGD) all suggest that this variant is likely to be tolerated, but these predictions have not been confirmed by published functional studies. This variant is not present in population databases (ExAC no frequency) and has not been reported in the literature in individuals with a MET-related disease. This sequence change replaces lysine with asparagine at codon 104 of the MET protein (p.Lys104Asn). The lysine residue is moderately conserved and there is a moderate physicochemical difference between lysine and asparagine.